The following is an entry in ClinVar:

NM_002296.4(LBR):c.959A>G (p.His320Arg)

Gene: LBR (lamin B receptor; minus strand). Cytogenetic location: 1q42.12.
Variant type: single nucleotide variant.
Coding change: c.959A>G on transcript NM_002296.4 (MANE Select); coding-DNA position 959, A replaced by G.
Protein change: p.His320Arg; replaces histidine 320 with arginine.
Molecular consequence: missense variant.
Genome position (GRCh38, 1-based): chr1:225,412,579, T>C on the plus strand (A>G on the coding strand, the complement: LBR is on the minus strand). VCF-style: chr1-225412579-T-C. GRCh37 (hg19) VCF-style: chr1-225600281-T-C.
Other names: c.959A>G, p.His320Arg (NM_194442.3); short protein forms H320R.
Identifiers: ClinVar variation 295937 (VCV000295937.36), dbSNP rs201654506, ClinGen allele CA1417274.

ClinVar aggregate classification (germline): Benign/Likely benign. Review status: criteria provided, multiple submitters, no conflicts (2 of 4 stars). 7 submissions from 7 submitters: Benign (6); Likely benign (1). Last evaluated 2026-08-24.

Conditions:
LBR-related disorder. Also called: LBR-related condition; LBR-related disorders.
Inborn genetic diseases. Identifiers: MedGen C0950123, MeSH D030342.
Greenberg dysplasia (GRBGD). Also called: HEM SKELETAL DYSPLASIA; MOTH-EATEN SKELETAL DYSPLASIA; CHONDRODYSTROPHY, HYDROPIC AND PRENATALLY LETHAL TYPE. Identifiers: Orphanet 1426, MedGen C2931048, MONDO:0008974, OMIM 215140.

Allele frequency attached by ClinVar (database versions not stated): gnomAD 0.00006 and 0.00036; TOPMed 0.00012; ESP Exome Variant Server 0.00023; gnomAD exomes 0.00063 and 0.00134; ExAC 0.00160; 1000 Genomes Project 0.00260; 1000 Genomes Project 30x 0.00265.
gnomAD v4.1: 972 of 1,611,162 alleles (0.06%); highest among the groups gnomAD compares: South Asian, 0.95%; 11 homozygotes.

Submissions (7):

PreventionGenetics, part of Exact Sciences
Classification: Benign for LBR-related condition. Last evaluated: 2026-08-24. Review status: criteria provided, single submitter. Criteria: ACMG Guidelines, 2015. Collection method: clinical testing. Allele origin: germline.
Comment: This variant is classified as benign based on ACMG/AMP sequence variant interpretation guidelines (Richards et al. 2015 PMID: 25741868, with internal and published modifications).

Labcorp Genetics (formerly Invitae), Labcorp
Classification: Benign. Last evaluated: 2025-12-30. Review status: criteria provided, single submitter. Criteria: Invitae Variant Classification Sherloc (09022015). Collection method: clinical testing. Allele origin: germline.

Ambry Genetics
Classification: Likely benign for Inborn genetic diseases. Last evaluated: 2025-04-24. Review status: criteria provided, single submitter. Criteria: Ambry Variant Classification Scheme 2023. Collection method: clinical testing. Allele origin: germline.

CeGaT Center for Human Genetics Tuebingen
Classification: Benign. Last evaluated: 2025-01-01. Review status: criteria provided, single submitter. Criteria: CeGaT Center For Human Genetics Tuebingen Variant Classification Criteria Version 2. Collection method: clinical testing. Allele origin: germline. Affected: yes. Observed: 1 variant allele.
Comment: LBR: BS1, BS2

ARUP Laboratories, Molecular Genetics and Genomics, ARUP Laboratories
Classification: Benign. Last evaluated: 2020-08-24. Review status: criteria provided, single submitter. Criteria: ARUP Molecular Germline Variant Investigation Process. Collection method: clinical testing. Allele origin: germline.

Illumina Laboratory Services, Illumina
Classification: Benign for Greenberg dysplasia. Last evaluated: 2018-01-13. Review status: criteria provided, single submitter. Criteria: ICSL Variant Classification Criteria 13 December 2019. Collection method: clinical testing. Allele origin: germline.
Comment: This variant was observed in the ICSL laboratory as part of a predisposition screen in an ostensibly healthy population. It had not been previously curated by ICSL or reported in the Human Gene Mutation Database (HGMD: prior to June 1st, 2018), and was therefore a candidate for classification through an automated scoring system. Utilizing variant allele frequency, disease prevalence and penetrance estimates, and inheritance mode, an automated score was calculated to assess if this variant is too frequent to cause the disease. Based on the score and internal cut-off values, a variant classified as benign is not then subjected to further curation. The score for this variant resulted in a classification of benign for this disease.

Breakthrough Genomics
Classification: Benign. Review status: criteria provided, single submitter. Criteria: ACMG Guidelines, 2015. Collection method: not provided. Allele origin: germline. Inheritance: Autosomal recessive inheritance. Affected: yes.